The following is an entry in ClinVar:

ClinVar aggregate classification (germline): Uncertain significance (1 of 4 stars; one submission).

Allele frequency attached by ClinVar (database versions not stated): TOPMed below 0.00001.

Submission:

Labcorp Genetics (formerly Invitae), Labcorp
Classification: Uncertain significance. Last evaluated: 2022-11-22. Review status: criteria provided, single submitter. Criteria: Invitae Variant Classification Sherloc (09022015). Collection method: clinical testing. Allele origin: germline.
Comment: In summary, the available evidence is currently insufficient to determine the role of this variant in disease. Therefore, it has been classified as a Variant of Uncertain Significance. Algorithms developed to predict the effect of missense changes on protein structure and function (SIFT, PolyPhen-2, Align-GVGD) all suggest that this variant is likely to be tolerated. ClinVar contains an entry for this variant (Variation ID: 1380397). This variant has not been reported in the literature in individuals affected with SPP2-related conditions. This variant is not present in population databases (gnomAD no frequency). This sequence change replaces methionine, which is neutral and non-polar, with threonine, which is neutral and polar, at codon 17 of the SPP2 protein (p.Met17Thr).

NM_006944.3(SPP2):c.50T>C (p.Met17Thr)

Gene: SPP2 (secreted phosphoprotein 2; plus strand). Cytogenetic location: 2q37.1.
Variant type: single nucleotide variant.
Coding change: c.50T>C on transcript NM_006944.3 (MANE Select); coding-DNA position 50, T replaced by C.
Protein change: p.Met17Thr; replaces methionine 17 with threonine.
Molecular consequence: missense variant.
Genome position (GRCh38, 1-based): chr2:234,050,836, T>C. VCF-style: chr2-234050836-T-C. GRCh37 (hg19) VCF-style: chr2-234959480-T-C.
Other names: short protein forms M17T.
Identifiers: ClinVar variation 1380397 (VCV001380397.6), dbSNP rs1490945405, ClinGen allele CA351098461.